The following is an entry in ClinVar:

NM_138927.4(SON):c.4649T>C (p.Val1550Ala)

Gene: SON (SON DNA and RNA binding protein; plus strand). Cytogenetic location: 21q22.11.
Variant type: single nucleotide variant.
Coding change: c.4649T>C on transcript NM_138927.4 (MANE Select); coding-DNA position 4649, T replaced by C.
Protein change: p.Val1550Ala; replaces valine 1550 with alanine.
Molecular consequence: missense variant. On other transcripts: non-coding transcript variant (1), intron variant (1).
Genome position (GRCh38, 1-based): chr21:33,553,880, T>C. VCF-style: chr21-33553880-T-C. GRCh37 (hg19) VCF-style: chr21-34926186-T-C.
Other names: c.4649T>C, p.Val1550Ala (NM_001291411.2, NM_001412133.1, NM_032195.3 and 2 more transcripts); c.245-3276T>C (NM_001291412.3); short protein forms V1550A.
Identifiers: ClinVar variation 2725511 (VCV002725511.3), dbSNP rs2517383246, ClinGen allele CA410163089.

ClinVar aggregate classification (germline): Uncertain significance (1 of 4 stars; one submission).

Submission:

Labcorp Genetics (formerly Invitae), Labcorp
Classification: Uncertain significance. Last evaluated: 2023-06-23. Review status: criteria provided, single submitter. Criteria: Invitae Variant Classification Sherloc (09022015). Collection method: clinical testing. Allele origin: germline.
Comment: In summary, the available evidence is currently insufficient to determine the role of this variant in disease. Therefore, it has been classified as a Variant of Uncertain Significance. This sequence change replaces valine, which is neutral and non-polar, with alanine, which is neutral and non-polar, at codon 1550 of the SON protein (p.Val1550Ala). This variant is not present in population databases (gnomAD no frequency). This variant has not been reported in the literature in individuals affected with SON-related conditions. Algorithms developed to predict the effect of missense changes on protein structure and function output the following: SIFT: "Not Available"; PolyPhen-2: "Possibly Damaging"; Align-GVGD: "Not Available". The alanine amino acid residue is found in multiple mammalian species, which suggests that this missense change does not adversely affect protein function.